The following is an entry in ClinVar:

NM_006245.4(PPP2R5D):c.288G>C (p.Lys96Asn)

Gene: PPP2R5D (protein phosphatase 2 regulatory subunit B'delta; plus strand). Cytogenetic location: 6p21.1.
Variant type: single nucleotide variant.
Coding change: c.288G>C on transcript NM_006245.4 (MANE Select); coding-DNA position 288, G replaced by C.
Protein change: p.Lys96Asn; replaces lysine 96 with asparagine.
Molecular consequence: missense variant. On other transcripts: 5 prime UTR variant (1), intron variant (2).
Genome position (GRCh38, 1-based): chr6:43,006,645, G>C. VCF-style: chr6-43006645-G-C. GRCh37 (hg19) VCF-style: chr6-42974383-G-C.
Other names: c.-166G>C (NM_001270476.2); c.249+39G>C (NM_180976.3); c.28-289G>C (NM_180977.3); short protein forms K96N.
Identifiers: ClinVar variation 2718815 (VCV002718815.3), dbSNP rs2532472133, ClinGen allele CA364181028.

ClinVar aggregate classification (germline): Uncertain significance (1 of 4 stars; one submission).

Submission:

Labcorp Genetics (formerly Invitae), Labcorp
Classification: Uncertain significance. Last evaluated: 2023-06-18. Review status: criteria provided, single submitter. Criteria: Invitae Variant Classification Sherloc (09022015). Collection method: clinical testing. Allele origin: germline.
Comment: This variant is not present in population databases (gnomAD no frequency). In summary, the available evidence is currently insufficient to determine the role of this variant in disease. Therefore, it has been classified as a Variant of Uncertain Significance. An algorithm developed to predict the effect of missense changes on protein structure and function (PolyPhen-2) suggests that this variant is likely to be tolerated. This variant has not been reported in the literature in individuals affected with PPP2R5D-related conditions. This sequence change replaces lysine, which is basic and polar, with asparagine, which is neutral and polar, at codon 96 of the PPP2R5D protein (p.Lys96Asn).